The following is an entry in ClinVar:

ClinVar aggregate classification (germline): Conflicting classifications of pathogenicity. Review status: criteria provided, conflicting classifications (1 of 4 stars). 3 submissions from 3 submitters: Uncertain significance (1); Likely benign (1). 1 of the submissions does not count toward it. Last evaluated 2025-08-25.

Conditions:
CACNA1B-related disorder. Also called: CACNA1B-related condition.

Allele frequency attached by ClinVar (database versions not stated): gnomAD exomes 0.00004; gnomAD 0.00006; TOPMed 0.00006; ExAC 0.00017; 1000 Genomes Project 30x 0.00031; 1000 Genomes Project 0.00040.
gnomAD v4.1: 66 of 1,563,722 alleles (0.0042%); highest among the groups gnomAD compares: East Asian, 0.13%; no homozygotes.

Submissions (3):

Labcorp Genetics (formerly Invitae), Labcorp
Classification: Likely benign. Last evaluated: 2025-08-25. Review status: criteria provided, single submitter. Criteria: Invitae Variant Classification Sherloc (09022015). Collection method: clinical testing. Allele origin: germline.

Ambry Genetics
Classification: Uncertain significance. Last evaluated: 2023-05-18. Review status: criteria provided, single submitter. Criteria: Ambry Variant Classification Scheme 2023. Collection method: clinical testing. Allele origin: germline.

PreventionGenetics, part of Exact Sciences
Classification: Uncertain significance for CACNA1B-related condition. Last evaluated: 2024-09-11. Review status: no assertion criteria provided. Collection method: clinical testing. Allele origin: germline. Not counted in ClinVar's aggregate classification.
Comment: The CACNA1B c.5638G>A variant is predicted to result in the amino acid substitution p.Gly1880Ser. To our knowledge, this variant has not been reported in the literature. This variant is reported in 0.13% of alleles in individuals of East Asian descent in gnomAD, which may be too frequent for a disease-causing variant. Although we suspect that this variant may be benign, at this time, the clinical significance of this variant is uncertain due to the absence of conclusive functional and genetic evidence.

NM_000718.4(CACNA1B):c.5638G>A (p.Gly1880Ser)

Gene: CACNA1B (calcium voltage-gated channel subunit alpha1 B; plus strand). Cytogenetic location: 9q34.3.
Variant type: single nucleotide variant.
Coding change: c.5638G>A on transcript NM_000718.4 (MANE Select); coding-DNA position 5638, G replaced by A.
Protein change: p.Gly1880Ser; replaces glycine 1880 with serine.
Molecular consequence: missense variant.
Genome position (GRCh38, 1-based): chr9:138,114,479, G>A. VCF-style: chr9-138114479-G-A. GRCh37 (hg19) VCF-style: chr9-141008931-G-A.
Other names: c.5638G>A (NM_000718.3); c.5638G>A, p.Gly1880Ser (NM_001243812.2); short protein forms G1880S.
Identifiers: ClinVar variation 2168815 (VCV002168815.7), dbSNP rs188868966, ClinGen allele CA5377430.
Genomic context (GRCh38, chr9:138,114,479, plus strand): 5'-ATATTCGACTTCTACAAGCAGAACAAAACCACCAGAGACCAGATGCAGCAGGCTCCTGGA[G>A]GCCTCTCCCAGGTAGCTGGCGGCCCTCAGTTTTCCAGGAAAACTGTGATGCCTCCGAGGC-3'
Protein context (NP_000709.1, residues 1870-1890): TRDQMQQAPG[Gly1880Ser]LSQMGPVSLF